The following is an entry in ClinVar:

NM_152443.3(RDH12):c.434G>A (p.Gly145Glu)

Genes: GPHN (gephyrin; plus strand), RDH12 (retinol dehydrogenase 12; plus strand). Cytogenetic location: 14q24.1.
Variant type: single nucleotide variant.
Coding change: c.434G>A on transcript NM_152443.3 (MANE Select); coding-DNA position 434, G replaced by A.
Protein change: p.Gly145Glu; replaces glycine 145 with glutamic acid.
Molecular consequence: missense variant.
Genome position (GRCh38, 1-based): chr14:67,726,141, G>A. VCF-style: chr14-67726141-G-A. GRCh37 (hg19) VCF-style: chr14-68192858-G-A.
Other names: short protein forms G145E.
Identifiers: ClinVar variation 4688224 (VCV004688224.1).

ClinVar aggregate classification (germline): Likely pathogenic (1 of 4 stars; one submission).

Conditions:
Leber congenital amaurosis (LCA). Also called: Leber's amaurosis. Identifiers: Orphanet 65, MedGen C0339527, MeSH D057130, MONDO:0018998.

Submission:

Women's Health and Genetics/Laboratory Corporation of America, LabCorp
Classification: Likely pathogenic for Leber congenital amaurosis. Last evaluated: 2025-12-18. Review status: criteria provided, single submitter. Criteria: LabCorp Variant Classification Summary - May 2015. Collection method: clinical testing. Allele origin: germline.
Comment: Variant summary: RDH12 c.434G>A (p.Gly145Glu) results in a non-conservative amino acid change in the encoded protein sequence. Algorithms developed to predict the effect of missense changes on protein structure and function all suggest that this variant is likely to be disruptive. The variant was absent in 251474 control chromosomes. c.434G>A has been observed in individual(s) affected with Retinal Dystrophy (example: Valverde_2009). At least one publication reports experimental evidence that the variant changes the normal protein function (Thompson_2005). The following publications have been ascertained in the context of this evaluation (PMID: 19011012, 16269441). No submitters have cited clinical-significance assessments for this variant to ClinVar. Based on the evidence outlined above, the variant was classified as likely pathogenic.

Literature cited by the submitters: PubMed 16269441; PubMed 19011012.